The following is an entry in ClinVar:

ClinVar aggregate classification (germline): Uncertain significance (1 of 4 stars; one submission).

Conditions:
Genitourinary and/or brain malformation syndrome (GUBS). Also called: PPP1R12A-Related Urogenital and/or Brain Malformation Syndrome. Identifiers: MedGen C5394158, MONDO:0032934, OMIM 618820.

gnomAD v4.1: 1 of 1,610,784 alleles (0.000062%); highest among the groups gnomAD compares: Non-Finnish European, 0.000085%; no homozygotes.

Submission:

Laboratorio de Genetica e Diagnostico Molecular, Hospital Israelita Albert Einstein
Classification: Uncertain significance for Genitourinary and/or brain malformation syndrome. Last evaluated: 2025-12-19. Review status: criteria provided, single submitter. Criteria: ACMG Guidelines, 2015. Collection method: clinical testing. Allele origin: germline. Affected: yes.
Comment: ACMG classification criteria: PM2 supporting, BP4 supporting

NM_002480.3(PPP1R12A):c.775G>A (p.Glu259Lys)

Gene: PPP1R12A (protein phosphatase 1 regulatory subunit 12A; minus strand). Cytogenetic location: 12q21.2.
Variant type: single nucleotide variant.
Coding change: c.775G>A on transcript NM_002480.3 (MANE Select); coding-DNA position 775, G replaced by A.
Protein change: p.Glu259Lys; replaces glutamic acid 259 with lysine.
Molecular consequence: missense variant.
Genome position (GRCh38, 1-based): chr12:79,828,337, C>T on the plus strand (G>A on the coding strand, the complement: PPP1R12A is on the minus strand). VCF-style: chr12-79828337-C-T. GRCh37 (hg19) VCF-style: chr12-80222117-C-T.
Other names: c.775G>A, p.Glu259Lys (NM_001143885.2, NM_001244990.2, NM_001244992.1); c.514G>A, p.Glu172Lys (NM_001143886.2); short protein forms E172K, E259K.
Identifiers: ClinVar variation 4846910 (VCV004846910.1).